The following is an entry in ClinVar:

ClinVar aggregate classification (germline): Uncertain significance. Review status: criteria provided, multiple submitters, no conflicts (2 of 4 stars). 7 submissions from 7 submitters: Uncertain significance (6). 1 of the submissions does not count toward it. Last evaluated 2026-02-20.

Conditions:
Inborn genetic diseases. Identifiers: MedGen C0950123, MeSH D030342.
Smith-Lemli-Opitz syndrome (SLOS). Also called: 7-Dehydrocholesterol reductase deficiency; POLYDACTYLY, SEX REVERSAL, RENAL HYPOPLASIA, AND UNILOBAR LUNG; RSH SYNDROME; RUTLEDGE LETHAL MULTIPLE CONGENITAL ANOMALY SYNDROME; LETHAL ACRODYSGENITAL SYNDROME. Identifiers: Orphanet 818, MedGen C0175694, MONDO:0010035, OMIM 270400.

Allele frequency attached by ClinVar (database versions not stated): gnomAD 0.00003; 1000 Genomes Project 30x 0.00031; gnomAD exomes 0.00002 and 0.00001; ESP Exome Variant Server 0.00008; 1000 Genomes Project 0.00020; ExAC 0.00002; TOPMed 0.00006.

Submissions (7):

Ambry Genetics
Classification: Uncertain significance for Inborn genetic diseases. Last evaluated: 2026-02-20. Review status: criteria provided, single submitter. Criteria: Ambry Variant Classification Scheme 2023. Collection method: clinical testing. Allele origin: germline.
Comment: The c.289G>A (p.A97T) alteration is located in exon 4 (coding exon 2) of the DHCR7 gene. This alteration results from a G to A substitution at nucleotide position 289, causing the alanine (A) at amino acid position 97 to be replaced by a threonine (T). Based on data from gnomAD, the A allele has an overall frequency of 0.001% (4/280144) total alleles studied. The highest observed frequency was 0.008% (2/24760) of African alleles. Based on insufficient or conflicting evidence, the clinical significance of this alteration remains unclear.

GeneDx
Classification: Uncertain significance. Last evaluated: 2025-06-18. Review status: criteria provided, single submitter. Criteria: GeneDx Variant Classification Process June 2021. Collection method: clinical testing. Allele origin: germline. Affected: yes.
Comment: Not observed at significant frequency in large population cohorts (gnomAD); In silico analysis suggests that this missense variant does not alter protein structure/function; This variant is associated with the following publications: (PMID: 36307859, 29300326, 24813812)

Fulgent Genetics
Classification: Uncertain significance for Smith-Lemli-Opitz syndrome. Last evaluated: 2024-03-18. Review status: criteria provided, single submitter. Criteria: ACMG Guidelines, 2015. Collection method: clinical testing. Allele origin: germline.

Mayo Clinic Laboratories, Mayo Clinic
Classification: Uncertain significance. Last evaluated: 2023-11-16. Review status: criteria provided, single submitter. Criteria: ACMG Guidelines, 2015. Collection method: clinical testing. Allele origin: germline. Observed: 1 variant allele.
Comment: PM2_moderate

Labcorp Genetics (formerly Invitae), Labcorp
Classification: Uncertain significance for Smith-Lemli-Opitz syndrome. Last evaluated: 2022-10-03. Review status: criteria provided, single submitter. Criteria: Invitae Variant Classification Sherloc (09022015). Collection method: clinical testing. Allele origin: germline.
Comment: This sequence change replaces alanine, which is neutral and non-polar, with threonine, which is neutral and polar, at codon 97 of the DHCR7 protein (p.Ala97Thr). This variant is present in population databases (rs150563256, gnomAD 0.008%). This variant has not been reported in the literature in individuals affected with DHCR7-related conditions. ClinVar contains an entry for this variant (Variation ID: 305958). Advanced modeling of protein sequence and biophysical properties (such as structural, functional, and spatial information, amino acid conservation, physicochemical variation, residue mobility, and thermodynamic stability) has been performed at Invitae for this missense variant, however the output from this modeling did not meet the statistical confidence thresholds required to predict the impact of this variant on DHCR7 protein function. In summary, the available evidence is currently insufficient to determine the role of this variant in disease. Therefore, it has been classified as a Variant of Uncertain Significance.

Illumina Laboratory Services, Illumina
Classification: Uncertain significance for Smith-Lemli-Opitz syndrome. Last evaluated: 2018-01-12. Review status: criteria provided, single submitter. Criteria: ICSL Variant Classification Criteria 13 December 2019. Collection method: clinical testing. Allele origin: germline.

Biochemical Molecular Genetic Laboratory, King Abdulaziz Medical City
Classification: Uncertain significance for Smith-Lemli-Opitz syndrome. Last evaluated: 2019-08-25. Review status: no assertion criteria provided. Collection method: clinical testing. Allele origin: germline. Affected: yes. Not counted in ClinVar's aggregate classification.

Literature cited by the submitters: PubMed 36307859 (cited by Ambry Genetics); PubMed 24813812 (cited by Mayo Clinic Laboratories, Mayo Clinic); PubMed 29300326 (cited by Mayo Clinic Laboratories, Mayo Clinic).

NM_001360.3(DHCR7):c.289G>A (p.Ala97Thr)

Gene: DHCR7 (7-dehydrocholesterol reductase; minus strand). Cytogenetic location: 11q13.4.
Variant type: single nucleotide variant.
Coding change: c.289G>A on transcript NM_001360.3 (MANE Select); coding-DNA position 289, G replaced by A.
Protein change: p.Ala97Thr; replaces alanine 97 with threonine.
Molecular consequence: missense variant.
Genome position (GRCh38, 1-based): chr11:71,444,025, C>T on the plus strand (G>A on the coding strand, the complement: DHCR7 is on the minus strand). VCF-style: chr11-71444025-C-T. GRCh37 (hg19) VCF-style: chr11-71155071-C-T.
Other names: p.Ala97Thr; c.289G>A, p.Ala97Thr (NM_001163817.2); short protein forms A97T.
Identifiers: ClinVar variation 305958 (VCV000305958.15), dbSNP rs150563256, ClinGen allele CA6162645.